The following is an entry in ClinVar:

ClinVar aggregate classification (germline): Uncertain significance (1 of 4 stars; one submission).

Allele frequency attached by ClinVar (database versions not stated): gnomAD exomes 0.00001; gnomAD 0.00002; ExAC 0.00003; TOPMed 0.00003.
gnomAD v4.1: 22 of 1,614,018 alleles (0.0014%); highest among the groups gnomAD compares: East Asian, 0.0045%; no homozygotes.

Submission:

Labcorp Genetics (formerly Invitae), Labcorp
Classification: Uncertain significance. Last evaluated: 2025-06-17. Review status: criteria provided, single submitter. Criteria: Invitae Variant Classification Sherloc (09022015). Collection method: clinical testing. Allele origin: germline.
Comment: This sequence change replaces arginine, which is basic and polar, with cysteine, which is neutral and slightly polar, at codon 2072 of the DNAH9 protein (p.Arg2072Cys). This variant is present in population databases (rs771521033, gnomAD 0.01%). This variant has not been reported in the literature in individuals affected with DNAH9-related conditions. ClinVar contains an entry for this variant (Variation ID: 2191572). Invitae Evidence Modeling of protein sequence and biophysical properties (such as structural, functional, and spatial information, amino acid conservation, physicochemical variation, residue mobility, and thermodynamic stability) indicates that this missense variant is expected to disrupt DNAH9 protein function with a positive predictive value of 80%. In summary, the available evidence is currently insufficient to determine the role of this variant in disease. Therefore, it has been classified as a Variant of Uncertain Significance.

NM_001372.4(DNAH9):c.6214C>T (p.Arg2072Cys)

Gene: DNAH9 (dynein axonemal heavy chain 9; plus strand). Cytogenetic location: 17p12.
Variant type: single nucleotide variant.
Coding change: c.6214C>T on transcript NM_001372.4 (MANE Select); coding-DNA position 6214, C replaced by T.
Protein change: p.Arg2072Cys; replaces arginine 2072 with cysteine.
Molecular consequence: missense variant.
Genome position (GRCh38, 1-based): chr17:11,744,899, C>T. VCF-style: chr17-11744899-C-T. GRCh37 (hg19) VCF-style: chr17-11648216-C-T.
Other names: short protein forms R2072C.
Identifiers: ClinVar variation 2191572 (VCV002191572.2), dbSNP rs771521033, ClinGen allele CA8396246.